The following is an entry in ClinVar:

ClinVar aggregate classification (germline): Uncertain significance (1 of 4 stars; one submission).

Submission:

Labcorp Genetics (formerly Invitae), Labcorp
Classification: Uncertain significance. Last evaluated: 2025-10-08. Review status: criteria provided, single submitter. Criteria: Invitae Variant Classification Sherloc (09022015). Collection method: clinical testing. Allele origin: germline.
Comment: This sequence change replaces glutamic acid, which is acidic and polar, with glycine, which is neutral and non-polar, at codon 814 of the ITPR1 protein (p.Glu814Gly). This variant is not present in population databases (gnomAD no frequency). This variant has not been reported in the literature in individuals affected with ITPR1-related conditions. Invitae Evidence Modeling of protein sequence and biophysical properties (such as structural, functional, and spatial information, amino acid conservation, physicochemical variation, residue mobility, and thermodynamic stability) indicates that this missense variant is not expected to disrupt ITPR1 protein function with a negative predictive value of 95%. In summary, the available evidence is currently insufficient to determine the role of this variant in disease. Therefore, it has been classified as a Variant of Uncertain Significance.

NM_001378452.1(ITPR1):c.2486A>G (p.Glu829Gly)

Gene: ITPR1 (inositol 1,4,5-trisphosphate receptor type 1; plus strand). Cytogenetic location: 3p26.1.
Variant type: single nucleotide variant.
Coding change: c.2486A>G on transcript NM_001378452.1 (MANE Select); coding-DNA position 2486, A replaced by G.
Protein change: p.Glu829Gly; replaces glutamic acid 829 with glycine.
Molecular consequence: missense variant.
Genome position (GRCh38, 1-based): chr3:4,674,231, A>G. VCF-style: chr3-4674231-A-G. GRCh37 (hg19) VCF-style: chr3-4715915-A-G.
Other names: c.2486A>G, p.Glu829Gly (NM_001099952.4); c.2441A>G, p.Glu814Gly (NM_001168272.2, NM_002222.7); short protein forms E814G, E829G.
Identifiers: ClinVar variation 4746324 (VCV004746324.1).